The following is an entry in ClinVar:

NM_000135.4(FANCA):c.2822C>G (p.Pro941Arg)

Gene: FANCA (FA complementation group A; minus strand). Cytogenetic location: 16q24.3.
Variant type: single nucleotide variant.
Coding change: c.2822C>G on transcript NM_000135.4 (MANE Select); coding-DNA position 2822, C replaced by G.
Protein change: p.Pro941Arg; replaces proline 941 with arginine.
Molecular consequence: missense variant.
Genome position (GRCh38, 1-based): chr16:89,761,979, G>C on the plus strand (C>G on the coding strand, the complement: FANCA is on the minus strand). VCF-style: chr16-89761979-G-C. GRCh37 (hg19) VCF-style: chr16-89828387-G-C.
Other names: c.2822C>G, p.Pro941Arg (NM_001286167.3); short protein forms P941R.
Identifiers: ClinVar variation 4885908 (VCV004885908.2).

ClinVar aggregate classification (germline): Uncertain significance (1 of 4 stars; one submission).

gnomAD v4.1: 1 of 1,614,054 alleles (0.000062%); highest among the groups gnomAD compares: South Asian, 0.0011%; no homozygotes.

Submission:

Dasa
Classification: Uncertain significance. Last evaluated: 2024-12-27. Review status: criteria provided, single submitter. Criteria: DASA Assertion Criteria. Collection method: clinical testing. Allele origin: germline.
Comment: NM_000135.4(FANCA):c.2822C>G (p.Pro941Arg) is a missense variant that results in the substitution of proline with arginine. This variant is rare in population databases. The currently available literature and clinical evidence are not sufficient to establish a definitive association between this variant and the reported condition. Therefore, this variant is classified as a variant of uncertain significance.